The following is an entry in ClinVar:

NM_000157.4(GBA1):c.589-1G>C

Genes: GBA1 (glucosylceramidase beta 1; minus strand), LOC106627981 (GBA recombination region; plus strand). Cytogenetic location: 1q22.
Variant type: single nucleotide variant.
Coding change: c.589-1G>C on transcript NM_000157.4 (MANE Select); the canonical splice acceptor site of the intron before coding-DNA position 589, G replaced by C.
Molecular consequence: splice acceptor variant.
Genome position (GRCh38, 1-based): chr1:155,238,307, C>G on the plus strand (G>C on the coding strand, the complement: GBA1 is on the minus strand). VCF-style: chr1-155238307-C-G. GRCh37 (hg19) VCF-style: chr1-155208098-C-G.
Other names: c.328-1G>C (NM_001171811.2); c.589-1G>C (NM_001005742.3, NM_001005741.3); c.442-1G>C (NM_001171812.2).
Identifiers: ClinVar variation 4817779 (VCV004817779.1).

ClinVar aggregate classification (germline): Likely pathogenic (1 of 4 stars; one submission).

Conditions:
Gaucher disease. Also called: Acute cerebral Gaucher disease; Cerebroside lipidosis syndrome; Gaucher splenomegaly; Sphingolipidosis 1; Glucocerebrosidosis; Glucosylceramidase deficiency. Identifiers: Orphanet 355, MedGen C0017205, MONDO:0018150.

Submission:

Natera, Inc.
Classification: Likely pathogenic for Gaucher disease. Last evaluated: 2024-05-23. Review status: criteria provided, single submitter. Criteria: Natera Variant Classification Schema (03/2026). Collection method: clinical testing. Allele origin: germline.
Comment: The c.589-1G>C variant in GBA1 is a canonical splice acceptor site variant predicted to affect pre-mRNA splicing, which may result in an abnormal transcript and altered protein product. This variant is expected to result in nonsense mediated decay, truncation, or a dysfunctional protein product. This variant is rare in the general population with a frequency below the threshold expected for the associated phenotype(s). Given the available evidence, this variant is classified as Likely Pathogenic.